The following is an entry in ClinVar:

ClinVar aggregate classification (germline): Uncertain significance (1 of 4 stars; one submission).

Conditions:
Hereditary cancer-predisposing syndrome. Also called: Neoplastic Syndromes, Hereditary; Tumor predisposition; Hereditary Cancer Syndrome; Hereditary neoplastic syndrome. Identifiers: Orphanet 140162, MedGen C0027672, MeSH D009386, MONDO:0015356.

Submission:

Color Diagnostics, LLC DBA Color Health
Classification: Uncertain significance for Hereditary cancer-predisposing syndrome. Last evaluated: 2020-08-20. Review status: criteria provided, single submitter. Criteria: ACMG Guidelines, 2015. Collection method: clinical testing. Allele origin: germline.
Comment: This missense variant replaces aspartic acid with asparagine at codon 2377 of the ATM protein. Computational prediction suggests that this variant may not impact protein structure and function (internally defined REVEL score threshold <= 0.5, PMID: 27666373). To our knowledge, functional studies have not been reported for this variant. This variant has not been reported in individuals affected with hereditary cancer in the literature. This variant has not been identified in the general population by the Genome Aggregation Database (gnomAD). The available evidence is insufficient to determine the role of this variant in disease conclusively. Therefore, this variant is classified as a Variant of Uncertain Significance.

NM_000051.4(ATM):c.7129G>A (p.Asp2377Asn)

Genes: ATM (ATM serine/threonine kinase; plus strand), C11orf65 (chromosome 11 open reading frame 65; minus strand). Cytogenetic location: 11q22.3.
Variant type: single nucleotide variant.
Coding change: c.7129G>A on transcript NM_000051.4 (MANE Select); coding-DNA position 7129, G replaced by A.
Protein change: p.Asp2377Asn; replaces aspartic acid 2377 with asparagine.
Molecular consequence: missense variant. On other transcripts: intron variant (2).
Genome position (GRCh38, 1-based): chr11:108,329,060, G>A. VCF-style: chr11-108329060-G-A. GRCh37 (hg19) VCF-style: chr11-108199787-G-A.
Other names: c.7129G>A, p.Asp2377Asn (NM_001351834.2); c.641-19989C>T (NM_001330368.2); c.*38+6160C>T (NM_001351110.2); short protein forms D2377N.
Identifiers: ClinVar variation 1171729 (VCV001171729.4), dbSNP rs1555122008, ClinGen allele CA382559464.